The following is an entry in ClinVar:

NM_001378418.1(TCF20):c.2711T>G (p.Leu904Ter)

Gene: TCF20 (transcription factor 20; minus strand). Cytogenetic location: 22q13.2.
Variant type: single nucleotide variant.
Coding change: c.2711T>G on transcript NM_001378418.1 (MANE Select); coding-DNA position 2711, T replaced by G.
Protein change: p.Leu904Ter; replaces leucine 904 with a stop codon.
Molecular consequence: nonsense.
Genome position (GRCh38, 1-based): chr22:42,212,595, A>C on the plus strand (T>G on the coding strand, the complement: TCF20 is on the minus strand). VCF-style: chr22-42212595-A-C. GRCh37 (hg19) VCF-style: chr22-42608601-A-C.
Other names: c.2711T>G, p.Leu904Ter (NM_005650.4, NM_181492.3); short protein forms L904*.
Identifiers: ClinVar variation 3897641 (VCV003897641.1).

ClinVar aggregate classification (germline): Pathogenic (1 of 4 stars; one submission).

Conditions:
Developmental delay with variable intellectual impairment and behavioral abnormalities. Identifiers: MedGen C5193092, MONDO:0032745, OMIM 618430.

Submission:

Genetics Laboratory, UDIAT-Centre Diagnòstic, Hospital Universitari Parc Tauli
Classification: Pathogenic for developmental delay with variable intellectual impairment and behavioral abnormalities. Last evaluated: 2024-03-14. Review status: criteria provided, single submitter. Criteria: ACMG Guidelines, 2015. Collection method: clinical testing. Allele origin: unknown. Inheritance: Autosomal dominant inheritance. Affected: yes.
Comment: PVS1_very strong;PM2_supporting;PM6_moderate